The following is an entry in ClinVar:

ClinVar aggregate classification (germline): Benign/Likely benign. Review status: criteria provided, multiple submitters, no conflicts (2 of 4 stars). 2 submissions from 2 submitters: Benign (1); Likely benign (1). Last evaluated 2024-10-22.

Conditions:
Birt-Hogg-Dube syndrome 1 (BHD1). Also called: FIBROFOLLICULOMAS WITH TRICHODISCOMAS AND ACROCHORDONS. Identifiers: Orphanet 122, MedGen CN375946, MONDO:0800445, OMIM 135150.
Birt-Hogg-Dube syndrome. Also called: Birt Hogg Dubé syndrome. Identifiers: Orphanet 122, MedGen C0346010, MONDO:0800444.

Submissions (2):

Myriad Genetics, Inc.
Classification: Benign for Birt-Hogg-Dube syndrome 1. Last evaluated: 2024-10-22. Review status: criteria provided, single submitter. Criteria: Myriad Autosomal Dominant, Autosomal Recessive and X-Linked Classification Criteria (2023). Collection method: clinical testing. Allele origin: unknown.
Comment: This variant is considered benign. This variant is a silent/synonymous amino acid change and it is not expected to impact splicing.

Labcorp Genetics (formerly Invitae), Labcorp
Classification: Likely benign for Birt-Hogg-Dube syndrome. Last evaluated: 2020-11-22. Review status: criteria provided, single submitter. Criteria: Invitae Variant Classification Sherloc (09022015). Collection method: clinical testing. Allele origin: germline.

NM_144997.7(FLCN):c.351C>G (p.Leu117=)

Gene: FLCN (folliculin; minus strand). Cytogenetic location: 17p11.2.
Variant type: single nucleotide variant.
Coding change: c.351C>G on transcript NM_144997.7 (MANE Select); coding-DNA position 351, C replaced by G.
Protein change: p.Leu117=; no amino-acid change (leucine 117 retained).
Molecular consequence: synonymous variant.
Genome position (GRCh38, 1-based): chr17:17,226,221, G>C on the plus strand (C>G on the coding strand, the complement: FLCN is on the minus strand). VCF-style: chr17-17226221-G-C. GRCh37 (hg19) VCF-style: chr17-17129535-G-C.
Other names: c.351C>G, p.Leu117= (NM_001353229.2, NM_001353230.2, NM_001353231.2 and 1 more transcripts).
Identifiers: ClinVar variation 1654592 (VCV001654592.9), dbSNP rs2145011096, ClinGen allele CA498167674.